The following is an entry in ClinVar:

NM_000101.4(CYBA):c.36A>C (p.Glu12Asp)

Gene: CYBA (cytochrome b-245 alpha chain; minus strand). Cytogenetic location: 16q24.2.
Variant type: single nucleotide variant.
Coding change: c.36A>C on transcript NM_000101.4 (MANE Select); coding-DNA position 36, A replaced by C.
Protein change: p.Glu12Asp; replaces glutamic acid 12 with aspartic acid.
Molecular consequence: missense variant.
Genome position (GRCh38, 1-based): chr16:88,650,978, T>G on the plus strand (A>C on the coding strand, the complement: CYBA is on the minus strand). VCF-style: chr16-88650978-T-G. GRCh37 (hg19) VCF-style: chr16-88717386-T-G.
Other names: short protein forms E12D.
Identifiers: ClinVar variation 1000056 (VCV001000056.7), dbSNP rs8053867, ClinGen allele CA286357997.

ClinVar aggregate classification (germline): Uncertain significance (1 of 4 stars; one submission).

Conditions:
Granulomatous disease, chronic, autosomal recessive, cytochrome b-negative. Also called: GRANULOMATOUS DISEASE, CHRONIC, AUTOSOMAL RECESSIVE, 4; Chronic granulomatous disease, autosomal, due to deficiency of CYBA; CGD DUE TO DEFICIENCY OF THE ALPHA SUBUNIT OF CYTOCHROME b; CGD, AUTOSOMAL RECESSIVE CYTOCHROME b-NEGATIVE; CYBA DEFICIENCY. Identifiers: Orphanet 379, MedGen C1856255, MONDO:0009308, OMIM 233690.

gnomAD v4.1: 4 of 1,596,114 alleles (0.00025%); highest among the groups gnomAD compares: African/African-American, 0.0013%; no homozygotes.

Submission:

Labcorp Genetics (formerly Invitae), Labcorp
Classification: Uncertain significance for Granulomatous disease, chronic, autosomal recessive, cytochrome b-negative. Last evaluated: 2020-09-17. Review status: criteria provided, single submitter. Criteria: Invitae Variant Classification Sherloc (09022015). Collection method: clinical testing. Allele origin: germline.
Comment: Experimental studies and prediction algorithms are not available or were not evaluated, and the functional significance of this variant is currently unknown. In summary, the available evidence is currently insufficient to determine the role of this variant in disease. Therefore, it has been classified as a Variant of Uncertain Significance. This variant has not been reported in the literature in individuals with CYBA-related conditions. This variant is not present in population databases (ExAC no frequency). This sequence change replaces glutamic acid with aspartic acid at codon 12 of the CYBA protein (p.Glu12Asp). The glutamic acid residue is highly conserved and there is a small physicochemical difference between glutamic acid and aspartic acid.